The following is an entry in ClinVar:

ClinVar aggregate classification (germline): Uncertain significance. Review status: criteria provided, multiple submitters, no conflicts (2 of 4 stars). 2 submissions from 2 submitters: Uncertain significance (2). Last evaluated 2025-05-21.

Conditions:
Epidermolysis bullosa simplex with nail dystrophy (EBS5D). Identifiers: MedGen C4225309, MONDO:0014661, OMIM 616487.
Autosomal recessive limb-girdle muscular dystrophy type 2Q (LGMDR17). Also called: MUSCULAR DYSTROPHY, LIMB-GIRDLE, AUTOSOMAL RECESSIVE 17. Identifiers: Orphanet 254361, MedGen C3150989, MONDO:0013390, OMIM 613723.
Epidermolysis bullosa simplex 5B, with muscular dystrophy (EBS5B). Also called: Epidermolysis bullosa simplex with muscular dystrophy; EPIDERMOLYSIS BULLOSA SIMPLEX AND LIMB-GIRDLE MUSCULAR DYSTROPHY. Identifiers: Orphanet 257, MedGen C2931072, MONDO:0009181, OMIM 226670.
Epidermolysis bullosa simplex 5C, with pyloric atresia (EBS5C). Also called: PLEC-Related Epidermolysis Bullosa with Pyloric Atresia; Epidermolysis bullosa simplex with pyloric atresia; PLEC1-Related Epidermolysis Bullosa with Pyloric Atresia. Identifiers: Orphanet 158684, MedGen C2677349, MONDO:0012807, OMIM 612138.
Epidermolysis bullosa simplex, Ogna type (EBS5A). Also called: Pidermolysis bullosa simplex 5A, Ogna type; EPIDERMOLYSIS BULLOSA SIMPLEX 5A, OGNA TYPE. Identifiers: Orphanet 79401, MedGen C0432317, MONDO:0007555, OMIM 131950.
Inborn genetic diseases. Identifiers: MedGen C0950123, MeSH D030342.

Submissions (2):

Ambry Genetics
Classification: Uncertain significance for Inborn genetic diseases. Last evaluated: 2025-05-21. Review status: criteria provided, single submitter. Criteria: Ambry Variant Classification Scheme 2023. Collection method: clinical testing. Allele origin: germline.

Labcorp Genetics (formerly Invitae), Labcorp
Classification: Uncertain significance for Autosomal recessive limb-girdle muscular dystrophy type 2Q; Epidermolysis bullosa simplex, Ogna type; Epidermolysis bullosa simplex with nail dystrophy; Epidermolysis bullosa simplex 5C, with pyloric atresia; Epidermolysis bullosa simplex 5B, with muscular dystrophy. Last evaluated: 2024-08-05. Review status: criteria provided, single submitter. Criteria: Invitae Variant Classification Sherloc (09022015). Collection method: clinical testing. Allele origin: germline.
Comment: This sequence change replaces arginine, which is basic and polar, with leucine, which is neutral and non-polar, at codon 833 of the PLEC protein (p.Arg833Leu). This variant is not present in population databases (gnomAD no frequency). This variant has not been reported in the literature in individuals affected with PLEC-related conditions. Advanced modeling of protein sequence and biophysical properties (such as structural, functional, and spatial information, amino acid conservation, physicochemical variation, residue mobility, and thermodynamic stability) performed at Invitae indicates that this missense variant is not expected to disrupt PLEC protein function with a negative predictive value of 80%. In summary, the available evidence is currently insufficient to determine the role of this variant in disease. Therefore, it has been classified as a Variant of Uncertain Significance.

NM_201384.3(PLEC):c.2417G>T (p.Arg806Leu)

Gene: PLEC (plectin; minus strand). Cytogenetic location: 8q24.3.
Variant type: single nucleotide variant.
Coding change: c.2417G>T on transcript NM_201384.3 (MANE Select); coding-DNA position 2417, G replaced by T.
Protein change: p.Arg806Leu; replaces arginine 806 with leucine.
Molecular consequence: missense variant.
Genome position (GRCh38, 1-based): chr8:143,930,424, C>A on the plus strand (G>T on the coding strand, the complement: PLEC is on the minus strand). VCF-style: chr8-143930424-C-A. GRCh37 (hg19) VCF-style: chr8-145004592-C-A.
Other names: c.2498G>T (NM_000445.3); c.2498G>T, p.Arg833Leu (NM_000445.5, NM_001410941.1); c.2375G>T, p.Arg792Leu (NM_201378.4); c.2351G>T, p.Arg784Leu (NM_201379.3); c.2828G>T, p.Arg943Leu (NM_201380.4); c.2321G>T, p.Arg774Leu (NM_201381.3); c.2417G>T, p.Arg806Leu (NM_201382.4); c.2429G>T, p.Arg810Leu (NM_201383.3); short protein forms R774L, R784L, R792L, R806L, R810L, R833L, R943L.
Identifiers: ClinVar variation 3748096 (VCV003748096.3).
Genomic context (GRCh38, chr8:143,930,424, plus strand): 5'-GACCCCCGGCCTGCGCTCACCTCCACCTGCTTATAGTCGCACACGGCCAGCAGGGGCAGG[C>A]GGCCCCGCATGGGGTGGGCTGGGTGGCGGGGCTTCAGCTGCACGACGGCCTTGGCCCGCT-3'
Protein context (NP_958786.1, residues 796-816): PRHPAHPMRG[Arg806Leu]LPLLAVCDYK